The following is an entry in ClinVar:

NM_032043.3(BRIP1):c.2905+1G>T

Gene: BRIP1 (BRCA1 interacting DNA helicase 1; minus strand). Cytogenetic location: 17q23.2.
Variant type: single nucleotide variant.
Coding change: c.2905+1G>T on transcript NM_032043.3 (MANE Select); the canonical splice donor site of the intron after coding-DNA position 2905, G replaced by T.
Molecular consequence: splice donor variant.
Genome position (GRCh38, 1-based): chr17:61,685,835, C>A on the plus strand (G>T on the coding strand, the complement: BRIP1 is on the minus strand). VCF-style: chr17-61685835-C-A. GRCh37 (hg19) VCF-style: chr17-59763196-C-A.
Identifiers: ClinVar variation 821956 (VCV000821956.8), dbSNP rs876660203, ClinGen allele CA400481087.

ClinVar aggregate classification (germline): Pathogenic/Likely pathogenic. Review status: criteria provided, multiple submitters, no conflicts (2 of 4 stars). 3 submissions from 3 submitters: Pathogenic (1); Likely pathogenic (2). Last evaluated 2024-06-26.

Conditions:
Fanconi anemia complementation group J. Also called: BRIP1-Related Fanconi Anemia. Identifiers: Orphanet 84, MedGen C1836860, MONDO:0012187, OMIM 609054.
Hereditary cancer-predisposing syndrome. Also called: Hereditary Cancer Syndrome; Neoplastic Syndromes, Hereditary; Hereditary neoplastic syndrome; Tumor predisposition. Identifiers: Orphanet 140162, MedGen C0027672, MeSH D009386, MONDO:0015356.
Familial cancer of breast. Also called: Hereditary breast cancer; hereditary breast carcinoma; BREAST CANCER, FAMILIAL. Identifiers: Orphanet 227535, MedGen C0346153, MONDO:0016419, OMIM 114480. Disease mechanism: loss of function.

Submissions (3):

Ambry Genetics
Classification: Likely pathogenic for Hereditary cancer-predisposing syndrome. Last evaluated: 2024-06-26. Review status: criteria provided, single submitter. Criteria: Ambry Variant Classification Scheme 2023. Collection method: clinical testing. Allele origin: germline.
Comment: The c.2905+1G>T intronic variant results from a G to T substitution one nucleotide after coding exon 18 of the BRIP1 gene. Alterations that disrupt the canonical splice site are expected to result in aberrant splicing. In silico splice site analysis predicts that this alteration will weaken the native splice donor site. The resulting transcript is predicted to be in-frame and is not expected to trigger nonsense-mediated mRNAdecay; however, direct evidence is unavailable. The exact functional effect of the altered amino acid sequence is unknown; however, a significant portion of the protein is affected (Ambry internal data). This alteration is located 5' to the highly conserved BRCA1 interaction domain, necessary for proper protein function (Shiozaki EN et al. Mol. Cell, 2004 May;14:405-12). This variant is considered to be rare based on population cohorts in the Genome Aggregation Database (gnomAD). This nucleotide position is well conserved in available vertebrate species. Based on the majority of available evidence to date, this variant is likely to be pathogenic.

Genomic Medicine Center of Excellence, King Faisal Specialist Hospital and Research Centre
Classification: Pathogenic for Fanconi anemia complementation group J. Last evaluated: 2024-03-29. Review status: criteria provided, single submitter. Criteria: ACMG Guidelines, 2015. Collection method: clinical testing. Allele origin: germline.

Myriad Genetics, Inc.
Classification: Likely pathogenic for Familial cancer of breast. Last evaluated: 2023-06-07. Review status: criteria provided, single submitter. Criteria: Myriad Autosomal Dominant, Autosomal Recessive and X-Linked Classification Criteria (2023). Collection method: clinical testing. Allele origin: unknown.
Comment: This variant is considered likely pathogenic. This variant occurs within a consensus splice junction and is predicted to result in abnormal mRNA splicing of either an out-of-frame exon or an in-frame exon necessary for protein stability and/or normal function.

Literature cited by the submitters: PubMed 15125843 (cited by Ambry Genetics).